The following is an entry in ClinVar:

NM_002519.3(NPAT):c.3376A>G (p.Lys1126Glu)

Gene: NPAT (nuclear protein, coactivator of histone transcription; minus strand). Cytogenetic location: 11q22.3.
Variant type: single nucleotide variant.
Coding change: c.3376A>G on transcript NM_002519.3 (MANE Select); coding-DNA position 3376, A replaced by G.
Protein change: p.Lys1126Glu; replaces lysine 1126 with glutamic acid.
Molecular consequence: missense variant.
Genome position (GRCh38, 1-based): chr11:108,161,710, T>C on the plus strand (A>G on the coding strand, the complement: NPAT is on the minus strand). VCF-style: chr11-108161710-T-C. GRCh37 (hg19) VCF-style: chr11-108032437-T-C.
Other names: c.3397A>G, p.Lys1133Glu (NM_001321307.1); short protein forms K1133E, K1126E.
Identifiers: ClinVar variation 2562556 (VCV002562556.2), dbSNP rs2496696228, ClinGen allele CA382510947.

ClinVar aggregate classification (germline): Uncertain significance (1 of 4 stars; one submission).

Submission:

Ambry Genetics
Classification: Uncertain significance. Last evaluated: 2023-04-07. Review status: criteria provided, single submitter. Criteria: Ambry Variant Classification Scheme 2023. Collection method: clinical testing. Allele origin: germline.
Comment: The p.K1126E variant (also known as c.3376A>G), located in coding exon 17 of the NPAT gene, results from an A to G substitution at nucleotide position 3376. The lysine at codon 1126 is replaced by glutamic acid, an amino acid with similar properties. This amino acid position is conserved. In addition, this alteration is predicted to be tolerated by in silico analysis. Since supporting evidence is limited at this time, the clinical significance of this alteration remains unclear.